The following is an entry in ClinVar:

NM_018062.4(FANCL):c.426_438del (p.Asp142fs)

Gene: FANCL (FA complementation group L; minus strand). Cytogenetic location: 2p16.1.
Variant type: Deletion.
Coding change: c.426_438del on transcript NM_018062.4 (MANE Select); coding-DNA positions 426 to 438, 13 bases deleted (TGCTTCTGGTAGA).
Protein change: p.Asp142fs; shifts the reading frame from aspartic acid 142.
Molecular consequence: frameshift variant.
Genome position (GRCh38, 1-based): chr2:58,204,163-58,204,175, TCTACCAGAAGCA deleted on the plus strand (TGCTTCTGGTAGA on the coding strand, the reverse complement: FANCL is on the minus strand); deleting any 13 consecutive bases within chr2:58,204,163-58,204,178 gives the same sequence; the c. name uses the placement nearest the transcript's 3' end. VCF-style (leftmost placement, unchanged base first): chr2-58204162-CTCTACCAGAAGCA-C. GRCh37 (hg19) VCF-style: chr2-58431297-CTCTACCAGAAGCA-C.
Other names: c.426_438delTGCTTCTGGTAGA (NM_018062.3); c.423_435delAGATGCTTCTGGT, p.Asp142Glufs (NM_001114636.2); c.426_438del, p.Asp142fs (NM_001374615.1, NM_001410792.1); short protein forms D142fs.
Identifiers: ClinVar variation 241250 (VCV000241250.7), dbSNP rs878855046, ClinGen allele CA10582097.

ClinVar aggregate classification (germline): Pathogenic (1 of 4 stars; one submission).

Conditions:
Fanconi anemia (FA). Also called: Fanconi's anemia. Identifiers: Orphanet 84, MedGen C0015625, MeSH D005199, MONDO:0019391.

Submission:

Labcorp Genetics (formerly Invitae), Labcorp
Classification: Pathogenic for Fanconi anemia. Last evaluated: 2017-05-12. Review status: criteria provided, single submitter. Criteria: Invitae Variant Classification Sherloc (09022015). Collection method: clinical testing. Allele origin: germline.
Comment: This sequence change deletes 13 nucleotides from exon 6 of the FANCL mRNA (c.426_438delTGCTTCTGGTAGA), causing a frameshift at codon 142. This creates a premature translational stop signal (p.Asp142Glufs*4) and is expected to result in an absent or disrupted protein product. While this particular variant has not been reported in the literature, loss-of-function variants in FANCL are known to be pathogenic (PMID: 19405097, 23613520). For these reasons, this variant has been classified as Pathogenic.

Literature cited by the submitters: PubMed 19405097; PubMed 23613520.